The following is an entry in ClinVar:

ClinVar aggregate classification (germline): Benign (1 of 4 stars; one submission).

Allele frequency attached by ClinVar (database versions not stated): 1000 Genomes Project 0.07708; 1000 Genomes Project 30x 0.07792; gnomAD 0.09805 and 0.09963; TOPMed 0.09904.
gnomAD v4.1: 14,950 of 152,186 alleles (9.8%); highest among the groups gnomAD compares: African/African-American, 12%; 748 homozygotes.

Submission:

GeneDx
Classification: Benign. Last evaluated: 2018-06-19. Review status: criteria provided, single submitter. Criteria: GeneDx Variant Classification (06012015). Collection method: clinical testing. Allele origin: germline. Affected: yes.
Comment: This variant is considered likely benign or benign based on one or more of the following criteria: it is a conservative change, it occurs at a poorly conserved position in the protein, it is predicted to be benign by multiple in silico algorithms, and/or has population frequency not consistent with disease.

NM_001182.5(ALDH7A1):c.246+306G>A

Gene: ALDH7A1 (aldehyde dehydrogenase 7 family member A1; minus strand). Cytogenetic location: 5q23.2.
Variant type: single nucleotide variant.
Coding change: c.246+306G>A on transcript NM_001182.5 (MANE Select); 306 bases into the intron after coding-DNA position 246, G replaced by A.
Molecular consequence: intron variant.
Genome position (GRCh38, 1-based): chr5:126,593,045, C>T on the plus strand (G>A on the coding strand, the complement: ALDH7A1 is on the minus strand). VCF-style: chr5-126593045-C-T. GRCh37 (hg19) VCF-style: chr5-125928737-C-T.
Other names: c.246+306G>A (NM_001202404.2); c.162+306G>A (NM_001201377.2).
Identifiers: ClinVar variation 669016 (VCV000669016.1), dbSNP rs6861395, ClinGen allele CA12144578.